The following is an entry in ClinVar:

NM_000283.4(PDE6B):c.1679G>A (p.Arg560His)

Gene: PDE6B (phosphodiesterase 6B; plus strand). Cytogenetic location: 4p16.3.
Variant type: single nucleotide variant.
Coding change: c.1679G>A on transcript NM_000283.4 (MANE Select); coding-DNA position 1679, G replaced by A.
Protein change: p.Arg560His; replaces arginine 560 with histidine.
Molecular consequence: missense variant.
Genome position (GRCh38, 1-based): chr4:662,198, G>A. VCF-style: chr4-662198-G-A. GRCh37 (hg19) VCF-style: chr4-655987-G-A.
Other names: c.1679G>A, p.Arg560His (NM_001145291.2); c.842G>A, p.Arg281His (NM_001145292.2, NM_001350154.3, NM_001379246.1 and 1 more transcripts); c.524G>A, p.Arg175His (NM_001350155.3); short protein forms R281H, R175H, R560H.
Identifiers: ClinVar variation 942252 (VCV000942252.8), dbSNP rs777799273, ClinGen allele CA2794631.

ClinVar aggregate classification (germline): Conflicting classifications of pathogenicity. Review status: criteria provided, conflicting classifications (1 of 4 stars). 2 submissions from 2 submitters: Likely pathogenic (1); Uncertain significance (1). Last evaluated 2025-11-18.

Conditions:
PDE6B-related disorder. Also called: PDE6B-related disorders; PDE6B-related disease; PDE6B-related condition.

Allele frequency attached by ClinVar (database versions not stated): gnomAD 0.00001; TOPMed 0.00002; gnomAD exomes 0.00003 and 0.00004; ExAC 0.00007.
gnomAD v4.1: 46 of 1,580,124 alleles (0.0029%); highest among the groups gnomAD compares: Middle Eastern, 0.28%; 1 homozygote.

Submissions (2):

Labcorp Genetics (formerly Invitae), Labcorp
Classification: Uncertain significance. Last evaluated: 2025-11-18. Review status: criteria provided, single submitter. Criteria: Invitae Variant Classification Sherloc (09022015). Collection method: clinical testing. Allele origin: germline.
Comment: This sequence change replaces arginine, which is basic and polar, with histidine, which is basic and polar, at codon 560 of the PDE6B protein (p.Arg560His). The frequency data for this variant in the population databases is considered unreliable, as metrics indicate poor data quality at this position in the gnomAD database. This missense change has been observed in individual(s) with inherited retinal disease (PMID: 31429209, 38219857, 38364953). ClinVar contains an entry for this variant (Variation ID: 942252). Invitae Evidence Modeling of protein sequence and biophysical properties (such as structural, functional, and spatial information, amino acid conservation, physicochemical variation, residue mobility, and thermodynamic stability) has been performed for this missense variant. However, the output from this modeling did not meet the statistical confidence thresholds required to predict the impact of this variant on PDE6B protein function. This variant disrupts the p.Arg560 amino acid residue in PDE6B. Other variant(s) that disrupt this residue have been determined to be pathogenic (PMID: 17267005, 25823529, 30998820). This suggests that this residue is clinically significant, and that variants that disrupt this residue are likely to be disease-causing. In summary, the available evidence is currently insufficient to determine the role of this variant in disease. Therefore, it has been classified as a Variant of Uncertain Significance.

Blueprint Genetics
Classification: Likely pathogenic for PDE6B-related disorders. Last evaluated: 2023-11-23. Review status: criteria provided, single submitter. Criteria: ACMG Guidelines, 2015. Collection method: clinical testing. Allele origin: germline. Affected: yes. Observed: 5 variant alleles.

Literature cited by the submitters: PubMed 31429209 (cited by Labcorp Genetics (formerly Invitae), Labcorp); PubMed 38219857 (cited by Labcorp Genetics (formerly Invitae), Labcorp); PubMed 38364953 (cited by Labcorp Genetics (formerly Invitae), Labcorp); PubMed 17267005 (cited by Labcorp Genetics (formerly Invitae), Labcorp); PubMed 25823529 (cited by Labcorp Genetics (formerly Invitae), Labcorp); PubMed 30998820 (cited by Labcorp Genetics (formerly Invitae), Labcorp).